The following is an entry in ClinVar:

NM_000245.4(MET):c.3030T>G (p.Asp1010Glu)

Gene: MET (MET proto-oncogene, receptor tyrosine kinase; plus strand). Cytogenetic location: 7q31.2.
Variant type: single nucleotide variant.
Coding change: c.3030T>G on transcript NM_000245.4 (MANE Select); coding-DNA position 3030, T replaced by G.
Protein change: p.Asp1010Glu; replaces aspartic acid 1010 with glutamic acid.
Molecular consequence: missense variant.
Genome position (GRCh38, 1-based): chr7:116,774,882, T>G. VCF-style: chr7-116774882-T-G. GRCh37 (hg19) VCF-style: chr7-116414936-T-G.
Other names: c.3084T>G, p.Asp1028Glu (NM_001127500.3); c.1740T>G, p.Asp580Glu (NM_001324402.2); short protein forms D580E, D1028E, D1010E.
Identifiers: ClinVar variation 5024340 (VCV005024340.1).

ClinVar aggregate classification (germline): Uncertain significance (1 of 4 stars; one submission).

Conditions:
Hereditary cancer-predisposing syndrome. Also called: Neoplastic Syndromes, Hereditary; Tumor predisposition; Hereditary neoplastic syndrome; Hereditary Cancer Syndrome. Identifiers: Orphanet 140162, MedGen C0027672, MeSH D009386, MONDO:0015356.

Submission:

Ambry Genetics
Classification: Uncertain significance for Hereditary cancer-predisposing syndrome. Last evaluated: 2026-07-02. Review status: criteria provided, single submitter. Criteria: Ambry Variant Classification Scheme 2023. Collection method: clinical testing. Allele origin: germline.
Comment: The p.D1010E variant (also known as c.3030T>G), located in coding exon 14 of the MET gene, results from a T to G substitution at nucleotide position 3030. The aspartic acid at codon 1010 is replaced by glutamic acid, an amino acid with highly similar properties. This amino acid position is conserved. In addition, this alteration is predicted to be tolerated by in silico analysis. Based on the available evidence, the clinical significance of this variant remains unclear.